The following is an entry in ClinVar:

ClinVar aggregate classification (germline): Uncertain significance (1 of 4 stars; one submission).

Conditions:
Neurofibromatosis, type 1 (NF1). Also called: VON RECKLINGHAUSEN DISEASE; Neurofibromatosis, type I; NEUROFIBROMATOSIS, TYPE I, SOMATIC; Peripheral type neurofibromatosis. Identifiers: Orphanet 636, MedGen C0027831, MONDO:0018975, OMIM 162200. Disease mechanism: loss of function.

Submission:

Labcorp Genetics (formerly Invitae), Labcorp
Classification: Uncertain significance for Neurofibromatosis, type 1. Last evaluated: 2024-03-06. Review status: criteria provided, single submitter. Criteria: Invitae Variant Classification Sherloc (09022015). Collection method: clinical testing. Allele origin: germline.
Comment: This sequence change replaces lysine, which is basic and polar, with glutamic acid, which is acidic and polar, at codon 1496 of the NF1 protein (p.Lys1496Glu). This variant is not present in population databases (gnomAD no frequency). This variant has not been reported in the literature in individuals affected with NF1-related conditions. ClinVar contains an entry for this variant (Variation ID: 1018221). Advanced modeling of protein sequence and biophysical properties (such as structural, functional, and spatial information, amino acid conservation, physicochemical variation, residue mobility, and thermodynamic stability) has been performed at Invitae for this missense variant, however the output from this modeling did not meet the statistical confidence thresholds required to predict the impact of this variant on NF1 protein function. In summary, the available evidence is currently insufficient to determine the role of this variant in disease. Therefore, it has been classified as a Variant of Uncertain Significance.

NM_001042492.3(NF1):c.4549A>G (p.Lys1517Glu)

Gene: NF1 (neurofibromin 1; plus strand). Cytogenetic location: 17q11.2.
Variant type: single nucleotide variant.
Coding change: c.4549A>G on transcript NM_001042492.3 (MANE Select); coding-DNA position 4549, A replaced by G.
Protein change: p.Lys1517Glu; replaces lysine 1517 with glutamic acid.
Molecular consequence: missense variant.
Genome position (GRCh38, 1-based): chr17:31,260,487, A>G. VCF-style: chr17-31260487-A-G. GRCh37 (hg19) VCF-style: chr17-29587505-A-G.
Other names: c.4486A>G, p.Lys1496Glu (NM_000267.4); short protein forms K1496E, K1517E.
Identifiers: ClinVar variation 1018221 (VCV001018221.5), dbSNP rs2067665710, ClinGen allele CA398999827.